The following is an entry in ClinVar:

NM_005732.4(RAD50):c.1978G>T (p.Ala660Ser)

Gene: RAD50 (RAD50 double strand break repair protein; plus strand). Cytogenetic location: 5q31.1.
Variant type: single nucleotide variant.
Coding change: c.1978G>T on transcript NM_005732.4 (MANE Select); coding-DNA position 1978, G replaced by T.
Protein change: p.Ala660Ser; replaces alanine 660 with serine.
Molecular consequence: missense variant.
Genome position (GRCh38, 1-based): chr5:132,595,581, G>T. VCF-style: chr5-132595581-G-T. GRCh37 (hg19) VCF-style: chr5-131931273-G-T.
Other names: short protein forms A660S.
Identifiers: ClinVar variation 231777 (VCV000231777.14), dbSNP rs876659355, ClinGen allele CA10578547.

ClinVar aggregate classification (germline): Uncertain significance. Review status: criteria provided, multiple submitters, no conflicts (2 of 4 stars). 2 submissions from 2 submitters: Uncertain significance (2). Last evaluated 2025-08-02.

Conditions:
Hereditary cancer-predisposing syndrome. Also called: Neoplastic Syndromes, Hereditary; Tumor predisposition; Hereditary Cancer Syndrome; Hereditary neoplastic syndrome. Identifiers: Orphanet 140162, MedGen C0027672, MeSH D009386, MONDO:0015356.

Allele frequency attached by ClinVar (database versions not stated): gnomAD exomes below 0.00001; TOPMed below 0.00001; gnomAD 0.00001.
gnomAD v4.1: 4 of 1,608,260 alleles (0.00025%); highest among the groups gnomAD compares: African/African-American, 0.004%; no homozygotes.

Submissions (2):

Ambry Genetics
Classification: Uncertain significance for Hereditary cancer-predisposing syndrome. Last evaluated: 2025-08-02. Review status: criteria provided, single submitter. Criteria: Ambry Variant Classification Scheme 2023. Collection method: clinical testing. Allele origin: germline.
Comment: The p.A660S variant (also known as c.1978G>T), located in coding exon 13 of the RAD50 gene, results from a G to T substitution at nucleotide position 1978. The alanine at codon 660 is replaced by serine, an amino acid with similar properties. This amino acid position is highly conserved in available vertebrate species. In addition, the in silico prediction for this alteration is inconclusive. Since supporting evidence is limited at this time, the clinical significance of this alteration remains unclear.

Labcorp Genetics (formerly Invitae), Labcorp
Classification: Uncertain significance for Hereditary cancer-predisposing syndrome. Last evaluated: 2023-08-01. Review status: criteria provided, single submitter. Criteria: Invitae Variant Classification Sherloc (09022015). Collection method: clinical testing. Allele origin: germline.
Comment: In summary, the available evidence is currently insufficient to determine the role of this variant in disease. Therefore, it has been classified as a Variant of Uncertain Significance. Advanced modeling of protein sequence and biophysical properties (such as structural, functional, and spatial information, amino acid conservation, physicochemical variation, residue mobility, and thermodynamic stability) performed at Invitae indicates that this missense variant is not expected to disrupt RAD50 protein function. ClinVar contains an entry for this variant (Variation ID: 231777). This variant has not been reported in the literature in individuals affected with RAD50-related conditions. This variant is present in population databases (no rsID available, gnomAD 0.007%). This sequence change replaces alanine, which is neutral and non-polar, with serine, which is neutral and polar, at codon 660 of the RAD50 protein (p.Ala660Ser).